The following is an entry in ClinVar:

NM_006947.4(SRP72):c.1336C>T (p.His446Tyr)

Gene: SRP72 (signal recognition particle 72; plus strand). Cytogenetic location: 4q12.
Variant type: single nucleotide variant.
Coding change: c.1336C>T on transcript NM_006947.4 (MANE Select); coding-DNA position 1336, C replaced by T.
Protein change: p.His446Tyr; replaces histidine 446 with tyrosine.
Molecular consequence: missense variant. On other transcripts: non-coding transcript variant (1).
Genome position (GRCh38, 1-based): chr4:56,490,348, C>T. VCF-style: chr4-56490348-C-T. GRCh37 (hg19) VCF-style: chr4-57356514-C-T.
Other names: c.1153C>T, p.His385Tyr (NM_001267722.2); short protein forms H446Y, H385Y.
Identifiers: ClinVar variation 4726425 (VCV004726425.1).

ClinVar aggregate classification (germline): Uncertain significance (1 of 4 stars; one submission).

Submission:

Labcorp Genetics (formerly Invitae), Labcorp
Classification: Uncertain significance. Last evaluated: 2025-06-04. Review status: criteria provided, single submitter. Criteria: Invitae Variant Classification Sherloc (09022015). Collection method: clinical testing. Allele origin: germline.
Comment: This sequence change replaces histidine, which is basic and polar, with tyrosine, which is neutral and polar, at codon 446 of the SRP72 protein (p.His446Tyr). This variant is not present in population databases (gnomAD no frequency). This variant has not been reported in the literature in individuals affected with SRP72-related conditions. Invitae Evidence Modeling of protein sequence and biophysical properties (such as structural, functional, and spatial information, amino acid conservation, physicochemical variation, residue mobility, and thermodynamic stability) indicates that this missense variant is not expected to disrupt SRP72 protein function with a negative predictive value of 80%. In summary, the available evidence is currently insufficient to determine the role of this variant in disease. Therefore, it has been classified as a Variant of Uncertain Significance.